The following is an entry in ClinVar:

ClinVar aggregate classification (germline): Uncertain significance (1 of 4 stars; one submission).

Submission:

GeneDx
Classification: Uncertain significance. Last evaluated: 2023-11-15. Review status: criteria provided, single submitter. Criteria: GeneDx Variant Classification Process June 2021. Collection method: clinical testing. Allele origin: germline. Affected: yes.
Comment: Not observed at significant frequency in large population cohorts (gnomAD); In silico analysis supports that this missense variant does not alter protein structure/function; In silico analysis suggests this variant may impact gene splicing. In the absence of RNA/functional studies, the actual effect of this sequence change is unknown.; Has not been previously published as pathogenic or benign to our knowledge

NM_001042681.2(RERE):c.1609A>C (p.Lys537Gln)

Gene: RERE (arginine-glutamic acid dipeptide repeats; minus strand). Cytogenetic location: 1p36.23.
Variant type: single nucleotide variant.
Coding change: c.1609A>C on transcript NM_001042681.2 (MANE Select); coding-DNA position 1609, A replaced by C.
Protein change: p.Lys537Gln; replaces lysine 537 with glutamine.
Molecular consequence: missense variant. On other transcripts: 5 prime UTR variant (1).
Genome position (GRCh38, 1-based): chr1:8,364,187, T>G on the plus strand (A>C on the coding strand, the complement: RERE is on the minus strand). VCF-style: chr1-8364187-T-G. GRCh37 (hg19) VCF-style: chr1-8424247-T-G.
Other names: c.-54A>C (NM_001042682.2); c.1609A>C, p.Lys537Gln (NM_012102.4); short protein forms K537Q.
Identifiers: ClinVar variation 3364458 (VCV003364458.2).
Genomic context (GRCh38, chr1:8,364,187, plus strand): 5'-TGAACATAAACGGTGGCGGGTCCACGGGCTTCTCAATGGGCGGGAGCTCACCGTATTTCT[T>G]GAAGTGGATGCGACAGTCGGTGCAAAGCAGGATGTTCTCCCGGCCTCCGTGGTGCCAATC-3'
Protein context (NP_001036146.1, residues 527-547): LLCTDCRIHF[Lys537Gln]KYGELPPIEK